The following is an entry in ClinVar:

ClinVar aggregate classification (germline): Uncertain significance (1 of 4 stars; one submission).

Submission:

Labcorp Genetics (formerly Invitae), Labcorp
Classification: Uncertain significance. Last evaluated: 2023-10-13. Review status: criteria provided, single submitter. Criteria: Invitae Variant Classification Sherloc (09022015). Collection method: clinical testing. Allele origin: germline.
Comment: This variant is a gross deletion of the genomic region encompassing exon(s) 7 of the IRF4 gene. This variant would be expected to be in-frame, preserving the integrity of the reading frame. This variant has not been reported in the literature in individuals affected with IRF4-related conditions. Experimental studies and prediction algorithms are not available or were not evaluated, and the functional significance of this variant is currently unknown. In summary, the available evidence is currently insufficient to determine the role of this variant in disease. Therefore, it has been classified as a Variant of Uncertain Significance.

NC_000006.11:g.(?_401404)_(401797_?)del

Gene: IRF4 (interferon regulatory factor 4; plus strand). Cytogenetic location: 6p25.3.
Variant type: Deletion.
Identifiers: ClinVar variation 1410638 (VCV001410638.7).